The following is an entry in ClinVar:

ClinVar aggregate classification (germline): Conflicting classifications of pathogenicity. Review status: criteria provided, conflicting classifications (1 of 4 stars). 3 submissions from 3 submitters: Uncertain significance (2); Likely benign (1). Last evaluated 2026-01-26.

Allele frequency attached by ClinVar (database versions not stated): TOPMed 0.00033; 1000 Genomes Project 0.00060; 1000 Genomes Project 30x 0.00078; gnomAD exomes 0.00006 and 0.00007; ExAC 0.00010; ESP Exome Variant Server 0.00031; gnomAD 0.00032 and 0.00033.
gnomAD v4.1: 164 of 1,613,544 alleles (0.01%); highest among the groups gnomAD compares: African/African-American, 0.15%; 2 homozygotes.

Submissions (3):

Labcorp Genetics (formerly Invitae), Labcorp
Classification: Uncertain significance. Last evaluated: 2026-01-26. Review status: criteria provided, single submitter. Criteria: Invitae Variant Classification Sherloc (09022015). Collection method: clinical testing. Allele origin: germline.
Comment: This sequence change replaces leucine, which is neutral and non-polar, with proline, which is neutral and non-polar, at codon 412 of the IMPG1 protein (p.Leu412Pro). This variant is present in population databases (rs41269327, gnomAD 0.09%). This variant has not been reported in the literature in individuals affected with IMPG1-related conditions. ClinVar contains an entry for this variant (Variation ID: 862945). An algorithm developed to predict the effect of missense changes on protein structure and function outputs the following: PolyPhen-2: "Benign". The proline amino acid residue is found in multiple mammalian species, which suggests that this missense change does not adversely affect protein function. In summary, the available evidence is currently insufficient to determine the role of this variant in disease. Therefore, it has been classified as a Variant of Uncertain Significance.

Ambry Genetics
Classification: Uncertain significance. Last evaluated: 2025-08-01. Review status: criteria provided, single submitter. Criteria: Ambry Variant Classification Scheme 2023. Collection method: clinical testing. Allele origin: germline.

Blueprint Genetics
Classification: Likely benign. Last evaluated: 2024-10-23. Review status: criteria provided, single submitter. Criteria: ACMG Guidelines, 2015. Collection method: clinical testing. Allele origin: germline.

NM_001563.4(IMPG1):c.1235T>C (p.Leu412Pro)

Gene: IMPG1 (interphotoreceptor matrix proteoglycan 1; minus strand). Cytogenetic location: 6q14.1.
Variant type: single nucleotide variant.
Coding change: c.1235T>C on transcript NM_001563.4 (MANE Select); coding-DNA position 1235, T replaced by C.
Protein change: p.Leu412Pro; replaces leucine 412 with proline.
Molecular consequence: missense variant.
Genome position (GRCh38, 1-based): chr6:76,002,974, A>G on the plus strand (T>C on the coding strand, the complement: IMPG1 is on the minus strand). VCF-style: chr6-76002974-A-G. GRCh37 (hg19) VCF-style: chr6-76712691-A-G.
Other names: c.1235T>C (NM_001563.2); c.1001T>C, p.Leu334Pro (NM_001282368.2); short protein forms L334P, L412P.
Identifiers: ClinVar variation 862945 (VCV000862945.10), dbSNP rs41269327, ClinGen allele CA3898174.
Genomic context (GRCh38, chr6:76,002,974, plus strand): 5'-TTACCAGGTAGACCATGCTCTGCTCCGTCCACTGTCTCAAGCTGGGGTTCAACAGGAGGA[A>G]GTTCTGGACTCAAAGTAGCATCCTGAAGAATGAATTTTGCAAGACAGATGTTGAGAAAGG-3'
Protein context (NP_001554.2, residues 402-422): ITEDATLSPE[Leu412Pro]PPVEPQLETV